The following is an entry in ClinVar:

NM_000245.4(MET):c.740T>C (p.Ile247Thr)

Gene: MET (MET proto-oncogene, receptor tyrosine kinase; plus strand). Cytogenetic location: 7q31.2.
Variant type: single nucleotide variant.
Coding change: c.740T>C on transcript NM_000245.4 (MANE Select); coding-DNA position 740, T replaced by C.
Protein change: p.Ile247Thr; replaces isoleucine 247 with threonine.
Molecular consequence: missense variant. On other transcripts: intron variant (1).
Genome position (GRCh38, 1-based): chr7:116,699,824, T>C. VCF-style: chr7-116699824-T-C. GRCh37 (hg19) VCF-style: chr7-116339878-T-C.
Other names: c.740T>C, p.Ile247Thr (NM_001127500.3, NM_001324401.3); c.-91+27247T>C (NM_001324402.2); short protein forms I247T.
Identifiers: ClinVar variation 4859954 (VCV004859954.1).

ClinVar aggregate classification (germline): Uncertain significance (1 of 4 stars; one submission).

Conditions:
Hereditary cancer-predisposing syndrome. Also called: Neoplastic Syndromes, Hereditary; Tumor predisposition; Hereditary Cancer Syndrome; Hereditary neoplastic syndrome. Identifiers: Orphanet 140162, MedGen C0027672, MeSH D009386, MONDO:0015356.

Submission:

Ambry Genetics
Classification: Uncertain significance for Hereditary cancer-predisposing syndrome. Last evaluated: 2026-03-28. Review status: criteria provided, single submitter. Criteria: Ambry Variant Classification Scheme 2023. Collection method: clinical testing. Allele origin: germline.
Comment: The p.I247T variant (also known as c.740T>C), located in coding exon 1 of the MET gene, results from a T to C substitution at nucleotide position 740. The isoleucine at codon 247 is replaced by threonine, an amino acid with similar properties. This amino acid position is conserved. In addition, the in silico prediction for this alteration is inconclusive. Based on the available evidence, the clinical significance of this variant remains unclear.